The following is an entry in ClinVar:

ClinVar aggregate classification (germline): Uncertain significance (1 of 4 stars; one submission).

Conditions:
Ataxia-telangiectasia syndrome (AT). Also called: ATAXIA-TELANGIECTASIA, COMPLEMENTATION GROUP A; Ataxia telangiectasia (A-T); Cerebello-oculocutaneous telangiectasia; Immunodeficiency with ataxia telangiectasia; LOUIS-BAR SYNDROME; ATAXIA-TELANGIECTASIA, FRESNO VARIANT. Identifiers: Orphanet 100, MedGen C0004135, MONDO:0008840, OMIM 208900.

Submission:

Labcorp Genetics (formerly Invitae), Labcorp
Classification: Uncertain significance for Ataxia-telangiectasia syndrome. Last evaluated: 2024-04-01. Review status: criteria provided, single submitter. Criteria: Invitae Variant Classification Sherloc (09022015). Collection method: clinical testing. Allele origin: germline.
Comment: This variant, c.5542_5544del, results in the deletion of 1 amino acid(s) of the ATM protein (p.Asp1848del), but otherwise preserves the integrity of the reading frame. This variant is not present in population databases (gnomAD no frequency). This variant has not been reported in the literature in individuals affected with ATM-related conditions. Experimental studies and prediction algorithms are not available or were not evaluated, and the functional significance of this variant is currently unknown. In summary, the available evidence is currently insufficient to determine the role of this variant in disease. Therefore, it has been classified as a Variant of Uncertain Significance.

NM_000051.4(ATM):c.5542_5544del (p.Asp1848del)

Gene: ATM (ATM serine/threonine kinase; plus strand). Cytogenetic location: 11q22.3.
Variant type: Deletion.
Coding change: c.5542_5544del on transcript NM_000051.4 (MANE Select); coding-DNA positions 5542 to 5544, 3 bases deleted (GAT; older notation c.5542_5544delGAT).
Protein change: p.Asp1848del; deletes aspartic acid 1848.
Molecular consequence: inframe deletion.
Genome position (GRCh38, 1-based): chr11:108,304,720-108,304,722, GAT deleted; deleting any 3 consecutive bases within chr11:108,304,718-108,304,722 gives the same sequence; the c. name uses the placement nearest the transcript's 3' end. VCF-style (leftmost placement, unchanged base first): chr11-108304717-CATG-C. GRCh37 (hg19) VCF-style: chr11-108175444-CATG-C.
Other names: c.5542_5544del, p.Asp1848del (NM_001351834.2); short protein forms D1848del.
Identifiers: ClinVar variation 2818959 (VCV002818959.3), dbSNP rs2546987156, ClinGen allele CA2739270920.